The following is an entry in ClinVar:

ClinVar aggregate classification (germline): Uncertain significance. Review status: criteria provided, multiple submitters, no conflicts (2 of 4 stars). 2 submissions from 2 submitters: Uncertain significance (2). Last evaluated 2023-01-30.

Conditions:
Isolated microphthalmia 5. Also called: Posterior Microphthalmia with Retinitis Pigmentosa, Foveoschisis, and Optic Disc Drusen. Identifiers: Orphanet 251279, MedGen C1970236, MONDO:0012605, OMIM 611040.

Allele frequency attached by ClinVar (database versions not stated): ExAC 0.00001; gnomAD 0.00001.
gnomAD v4.1: 9 of 1,613,980 alleles (0.00056%); highest among the groups gnomAD compares: South Asian, 0.0088%; no homozygotes.

Submissions (2):

Labcorp Genetics (formerly Invitae), Labcorp
Classification: Uncertain significance for Isolated microphthalmia 5. Last evaluated: 2023-01-30. Review status: criteria provided, single submitter. Criteria: Invitae Variant Classification Sherloc (09022015). Collection method: clinical testing. Allele origin: germline.
Comment: This variant has not been reported in the literature in individuals affected with MFRP-related conditions. This variant is present in population databases (rs752088544, gnomAD 0.003%). This sequence change replaces serine, which is neutral and polar, with phenylalanine, which is neutral and non-polar, at codon 196 of the MFRP protein (p.Ser196Phe). Advanced modeling of protein sequence and biophysical properties (such as structural, functional, and spatial information, amino acid conservation, physicochemical variation, residue mobility, and thermodynamic stability) performed at Invitae indicates that this missense variant is not expected to disrupt MFRP protein function. In summary, the available evidence is currently insufficient to determine the role of this variant in disease. Therefore, it has been classified as a Variant of Uncertain Significance.

Blueprint Genetics
Classification: Uncertain significance. Last evaluated: 2022-06-16. Review status: criteria provided, single submitter. Criteria: ACMG Guidelines, 2015. Collection method: clinical testing. Allele origin: germline.

NM_031433.4(MFRP):c.587C>T (p.Ser196Phe)

Genes: C1QTNF5 (C1q and TNF related 5; minus strand), MFRP (membrane frizzled-related protein; minus strand). Cytogenetic location: 11q23.3.
Variant type: single nucleotide variant.
Coding change: c.587C>T on transcript NM_031433.4 (MANE Select); coding-DNA position 587, C replaced by T.
Protein change: p.Ser196Phe; replaces serine 196 with phenylalanine.
Molecular consequence: missense variant. On other transcripts: 5 prime UTR variant (1).
Genome position (GRCh38, 1-based): chr11:119,345,474, G>A on the plus strand (C>T on the coding strand, the complement: MFRP is on the minus strand). VCF-style: chr11-119345474-G-A. GRCh37 (hg19) VCF-style: chr11-119216184-G-A.
Other names: c.-2050C>T (NM_015645.5); short protein forms S196F.
Identifiers: ClinVar variation 2162933 (VCV002162933.4), dbSNP rs752088544, ClinGen allele CA6320498.